The following is an entry in ClinVar:

NM_004385.5(VCAN):c.2065A>G (p.Thr689Ala)

Gene: VCAN (versican; plus strand). Cytogenetic location: 5q14.3.
Variant type: single nucleotide variant.
Coding change: c.2065A>G on transcript NM_004385.5 (MANE Select); coding-DNA position 2065, A replaced by G.
Protein change: p.Thr689Ala; replaces threonine 689 with alanine.
Molecular consequence: missense variant. On other transcripts: intron variant (2).
Genome position (GRCh38, 1-based): chr5:83,520,371, A>G. VCF-style: chr5-83520371-A-G. GRCh37 (hg19) VCF-style: chr5-82816190-A-G.
Other names: c.2065A>G, p.Thr689Ala (NM_001164098.2); c.1042+7975A>G (NM_001164097.2, NM_001126336.3); short protein forms T689A.
Identifiers: ClinVar variation 354402 (VCV000354402.38), dbSNP rs61754531, ClinGen allele CA3332777.

ClinVar aggregate classification (germline): Benign. Review status: criteria provided, multiple submitters, no conflicts (2 of 4 stars). 3 submissions from 3 submitters: Benign (3). Last evaluated 2026-07-01.

Conditions:
Vitreoretinopathy. Also called: Vitreoretinal degeneration. Identifiers: MedGen C0344290, MONDO:0020248, HP:0007773.

Allele frequency attached by ClinVar (database versions not stated): 1000 Genomes Project 0.00319; 1000 Genomes Project 30x 0.00328; TOPMed 0.00706; ESP Exome Variant Server 0.00756; gnomAD 0.00851 and 0.00895; gnomAD exomes 0.00902 and 0.00956; ExAC 0.01007.
gnomAD v4.1: 14,538 of 1,612,284 alleles (0.9%); highest among the groups gnomAD compares: Middle Eastern, 1.8%; 99 homozygotes.

Submissions (3):

CeGaT Center for Human Genetics Tuebingen
Classification: Benign. Last evaluated: 2026-07-01. Review status: criteria provided, single submitter. Criteria: CeGaT Center For Human Genetics Tuebingen Variant Classification Criteria Version 2. Collection method: clinical testing. Allele origin: germline. Affected: yes. Observed: 5 variant alleles.
Comment: VCAN: BP4, BS1, BS2

Labcorp Genetics (formerly Invitae), Labcorp
Classification: Benign. Last evaluated: 2026-01-27. Review status: criteria provided, single submitter. Criteria: Invitae Variant Classification Sherloc (09022015). Collection method: clinical testing. Allele origin: germline.

Illumina Laboratory Services, Illumina
Classification: Benign for Vitreoretinopathy. Last evaluated: 2018-01-12. Review status: criteria provided, single submitter. Criteria: ICSL Variant Classification Criteria 13 December 2019. Collection method: clinical testing. Allele origin: germline.
Comment: This variant was observed in the ICSL laboratory as part of a predisposition screen in an ostensibly healthy population. It had not been previously curated by ICSL or reported in the Human Gene Mutation Database (HGMD: prior to June 1st, 2018), and was therefore a candidate for classification through an automated scoring system. Utilizing variant allele frequency, disease prevalence and penetrance estimates, and inheritance mode, an automated score was calculated to assess if this variant is too frequent to cause the disease. Based on the score and internal cut-off values, a variant classified as benign is not then subjected to further curation. The score for this variant resulted in a classification of benign for this disease.